The following is an entry in ClinVar:

ClinVar aggregate classification (germline): Uncertain significance (1 of 4 stars; one submission).

Conditions:
Intellectual developmental disorder, X-linked 112 (XLID112). Identifiers: MedGen C5829589, MONDO:0957496, OMIM 301111.

Submission:

Laboratorio de Genetica e Diagnostico Molecular, Hospital Israelita Albert Einstein
Classification: Uncertain significance for Intellectual developmental disorder, X-linked 112. Last evaluated: 2024-04-19. Review status: criteria provided, single submitter. Criteria: ACMG Guidelines, 2015. Collection method: clinical testing. Allele origin: germline. Affected: yes.
Comment: ACMG classification criteria: PM2 supporting, PP3 supporting

NM_201599.3(ZMYM3):c.2633C>T (p.Pro878Leu)

Gene: ZMYM3 (zinc finger MYM-type containing 3; minus strand). Cytogenetic location: Xq13.1.
Variant type: single nucleotide variant.
Coding change: c.2633C>T on transcript NM_201599.3 (MANE Select); coding-DNA position 2633, C replaced by T.
Protein change: p.Pro878Leu; replaces proline 878 with leucine.
Molecular consequence: missense variant.
Genome position (GRCh38, 1-based): chrX:71,246,038, G>A on the plus strand (C>T on the coding strand, the complement: ZMYM3 is on the minus strand). VCF-style: chrX-71246038-G-A. GRCh37 (hg19) VCF-style: chrX-70465888-G-A.
Other names: c.2597C>T, p.Pro866Leu (NM_001171162.1); c.2633C>T, p.Pro878Leu (NM_005096.3); short protein forms P866L, P878L.
Identifiers: ClinVar variation 4076345 (VCV004076345.1).
Genomic context (GRCh38, chrX:71,246,038, plus strand): 5'-AAACTCACCGGGATAGGCATCGAGAAAGGCACCGGGACTTTCTGGCAGTACAGATGCATA[G>A]GCACTGGCACGAAGATGGGCACTGGGATGGGCAGCACGATCACCTGTGGCTTCCACTCTT-3'
Protein context (NP_963893.1, residues 868-888): PIPVPIFVPV[Pro878Leu]MHLYCQKVPV